The following is an entry in ClinVar:

ClinVar aggregate classification (germline): Uncertain significance. Review status: criteria provided, multiple submitters, no conflicts (2 of 4 stars). 3 submissions from 3 submitters: Uncertain significance (3). Last evaluated 2024-04-28.

Conditions:
Nephronophthisis. Also called: Juvenile Nephronophthisis. Identifiers: Orphanet 655, MedGen C0687120, MONDO:0019005, HP:0000090.
Inborn genetic diseases. Identifiers: MedGen C0950123, MeSH D030342.
Infantile nephronophthisis (NPHP2). Also called: Nephronophthisis 2; Nephronophthisis 2, infantile. Identifiers: Orphanet 655, Orphanet 93591, MedGen C1865872, MONDO:0011190, OMIM 602088.

Allele frequency attached by ClinVar (database versions not stated): TOPMed below 0.00001.
gnomAD v4.1: 4 of 1,614,018 alleles (0.00025%); highest among the groups gnomAD compares: Non-Finnish European, 0.00034%; no homozygotes.

Submissions (3):

Fulgent Genetics
Classification: Uncertain significance for Infantile nephronophthisis. Last evaluated: 2024-04-28. Review status: criteria provided, single submitter. Criteria: ACMG Guidelines, 2015. Collection method: clinical testing. Allele origin: germline.

Ambry Genetics
Classification: Uncertain significance for Inborn genetic diseases. Last evaluated: 2022-12-01. Review status: criteria provided, single submitter. Criteria: Ambry Variant Classification Scheme 2023. Collection method: clinical testing. Allele origin: germline.

Labcorp Genetics (formerly Invitae), Labcorp
Classification: Uncertain significance for Nephronophthisis. Last evaluated: 2020-10-08. Review status: criteria provided, single submitter. Criteria: Invitae Variant Classification Sherloc (09022015). Collection method: clinical testing. Allele origin: germline.
Comment: Algorithms developed to predict the effect of missense changes on protein structure and function are either unavailable or do not agree on the potential impact of this missense change (SIFT: "Deleterious"; PolyPhen-2: "Benign"; Align-GVGD: "Class C0"). In summary, the available evidence is currently insufficient to determine the role of this variant in disease. Therefore, it has been classified as a Variant of Uncertain Significance. This variant has not been reported in the literature in individuals with INVS-related disease. This variant is not present in population databases (ExAC no frequency). This sequence change replaces serine with phenylalanine at codon 665 of the INVS protein (p.Ser665Phe). The serine residue is weakly conserved and there is a large physicochemical difference between serine and phenylalanine.

NM_014425.5(INVS):c.1994C>T (p.Ser665Phe)

Gene: INVS (inversin; plus strand). Cytogenetic location: 9q31.1.
Variant type: single nucleotide variant.
Coding change: c.1994C>T on transcript NM_014425.5 (MANE Select); coding-DNA position 1994, C replaced by T.
Protein change: p.Ser665Phe; replaces serine 665 with phenylalanine.
Molecular consequence: missense variant. On other transcripts: non-coding transcript variant (1).
Genome position (GRCh38, 1-based): chr9:100,284,529, C>T. VCF-style: chr9-100284529-C-T. GRCh37 (hg19) VCF-style: chr9-103046811-C-T.
Other names: c.1994C>T (NM_014425.2); c.1706C>T, p.Ser569Phe (NM_001318381.2); c.1016C>T, p.Ser339Phe (NM_001318382.2); short protein forms S339F, S569F, S665F.
Identifiers: ClinVar variation 1010777 (VCV001010777.10), dbSNP rs533008444, ClinGen allele CA374240491.